The following is an entry in ClinVar:

ClinVar aggregate classification (germline): Likely benign (1 of 4 stars; one submission).

Allele frequency attached by ClinVar (database versions not stated): gnomAD 0.00096; ESP Exome Variant Server 0.00115; ExAC 0.00135.
gnomAD v4.1: 1,415 of 1,613,668 alleles (0.088%); highest among the groups gnomAD compares: Admixed American, 0.033%; 28 homozygotes.

Submission:

CeGaT Center for Human Genetics Tuebingen
Classification: Likely benign. Last evaluated: 2023-12-01. Review status: criteria provided, single submitter. Criteria: CeGaT Center For Human Genetics Tuebingen Variant Classification Criteria Version 2. Collection method: clinical testing. Allele origin: germline. Affected: yes. Observed: 2 variant alleles.
Comment: PCM1: BP4, BS1

NM_006197.4(PCM1):c.1364A>G (p.Asn455Ser)

Gene: PCM1 (pericentriolar material 1; plus strand). Cytogenetic location: 8p22.
Variant type: single nucleotide variant.
Coding change: c.1364A>G on transcript NM_006197.4 (MANE Select); coding-DNA position 1364, A replaced by G.
Protein change: p.Asn455Ser; replaces asparagine 455 with serine.
Molecular consequence: missense variant. On other transcripts: non-coding transcript variant (1).
Genome position (GRCh38, 1-based): chr8:17,955,545, A>G. VCF-style: chr8-17955545-A-G. GRCh37 (hg19) VCF-style: chr8-17813054-A-G.
Other names: c.1364A>G, p.Asn455Ser (NM_001315507.2, NM_001315508.2, NM_001352634.2 and 18 more transcripts); c.1481A>G, p.Asn494Ser (NM_001352632.2, NM_001352633.2, NM_001352636.2 and 7 more transcripts); short protein forms N455S, N494S.
Identifiers: ClinVar variation 2658449 (VCV002658449.24), dbSNP rs200259753, ClinGen allele CA4648655.
Genomic context (GRCh38, chr8:17,955,545, plus strand): 5'-GTGTCGATCAGAGAAGTACTTCAGCTCCCTCTGCTTCTGTAGGCTTGGCACCGGTTGTCA[A>G]TGGAGAATCCAATAGCCTCACATCATCTGTTCCTTATCCTACTGCTTCTCTAGTATCTCA-3'
Protein context (NP_006188.4, residues 445-465): SASVGLAPVV[Asn455Ser]GESNSLTSSV